The following is an entry in ClinVar:

ClinVar aggregate classification (germline): Uncertain significance. Review status: criteria provided, multiple submitters, no conflicts (2 of 4 stars). 3 submissions from 3 submitters: Uncertain significance (3). Last evaluated 2023-06-01.

Conditions:
Hereditary spastic paraplegia 11. Also called: Spastic paraplegia, mental retardation and thin corpus callosum; SPASTIC PARAPLEGIA, AUTOSOMAL RECESSIVE, COMPLICATED, WITH THIN CORPUS CALLOSUM; SPASTIC PARAPLEGIA, AUTOSOMAL RECESSIVE, WITH MENTAL IMPAIRMENT AND THIN CORPUS CALLOSUM; Spastic Paraplegia 11; Nakamura Osame syndrome; Autosomal recessive hereditary spastic paraplegia, mental impairment, and thin corpus callosum. Identifiers: Orphanet 2822, MedGen C1858479, MONDO:0011445, OMIM 604360.
Inborn genetic diseases. Identifiers: MedGen C0950123, MeSH D030342.

Allele frequency attached by ClinVar (database versions not stated): gnomAD exomes below 0.00001 and 0.00001; gnomAD 0.00003.
gnomAD v4.1: 19 of 1,611,954 alleles (0.0012%); highest among the groups gnomAD compares: Admixed American, 0.0017%; no homozygotes.

Submissions (3):

Ambry Genetics
Classification: Uncertain significance for Inborn genetic diseases. Last evaluated: 2023-06-01. Review status: criteria provided, single submitter. Criteria: Ambry Variant Classification Scheme 2023. Collection method: clinical testing. Allele origin: germline.

Labcorp Genetics (formerly Invitae), Labcorp
Classification: Uncertain significance for Hereditary spastic paraplegia 11. Last evaluated: 2022-01-24. Review status: criteria provided, single submitter. Criteria: Invitae Variant Classification Sherloc (09022015). Collection method: clinical testing. Allele origin: germline.
Comment: This sequence change replaces serine, which is neutral and polar, with proline, which is neutral and non-polar, at codon 344 of the SPG11 protein (p.Ser344Pro). This variant is present in population databases (no rsID available, gnomAD 0.002%). This variant has not been reported in the literature in individuals affected with SPG11-related conditions. ClinVar contains an entry for this variant (Variation ID: 807233). Algorithms developed to predict the effect of missense changes on protein structure and function are either unavailable or do not agree on the potential impact of this missense change (SIFT: "Deleterious"; PolyPhen-2: "Possibly Damaging"; Align-GVGD: "Class C0"). In summary, the available evidence is currently insufficient to determine the role of this variant in disease. Therefore, it has been classified as a Variant of Uncertain Significance.

CeGaT Center for Human Genetics Tuebingen
Classification: Uncertain significance. Last evaluated: 2018-05-01. Review status: criteria provided, single submitter. Criteria: CeGaT Center For Human Genetics Tuebingen Variant Classification Criteria Version 2. Collection method: clinical testing. Allele origin: germline. Affected: yes. Observed: 1 variant allele.

NM_025137.4(SPG11):c.1030T>C (p.Ser344Pro)

Gene: SPG11 (SPG11 vesicle trafficking associated, spatacsin; minus strand). Cytogenetic location: 15q21.1.
Variant type: single nucleotide variant.
Coding change: c.1030T>C on transcript NM_025137.4 (MANE Select); coding-DNA position 1030, T replaced by C.
Protein change: p.Ser344Pro; replaces serine 344 with proline.
Molecular consequence: missense variant.
Genome position (GRCh38, 1-based): chr15:44,651,917, A>G on the plus strand (T>C on the coding strand, the complement: SPG11 is on the minus strand). VCF-style: chr15-44651917-A-G. GRCh37 (hg19) VCF-style: chr15-44944115-A-G.
Other names: c.1030T>C, p.Ser344Pro (NM_001160227.2); short protein forms S344P.
Identifiers: ClinVar variation 807233 (VCV000807233.45), dbSNP rs1235556400, ClinGen allele CA392236747.